The following is an entry in ClinVar:

ClinVar aggregate classification (germline): Pathogenic (1 of 4 stars; one submission).

Submission:

Labcorp Genetics (formerly Invitae), Labcorp
Classification: Pathogenic. Last evaluated: 2025-02-24. Review status: criteria provided, single submitter. Criteria: Invitae Variant Classification Sherloc (09022015). Collection method: clinical testing. Allele origin: germline.
Comment: This sequence change creates a premature translational stop signal (p.Leu72Thrfs*13) in the MUT gene. It is expected to result in an absent or disrupted protein product. Loss-of-function variants in MUT are known to be pathogenic (PMID: 15781192). This variant is not present in population databases (gnomAD no frequency). This variant has not been reported in the literature in individuals affected with MUT-related conditions. ClinVar contains an entry for this variant (Variation ID: 2762437). For these reasons, this variant has been classified as Pathogenic.

Literature cited by the submitters: PubMed 15781192.

NM_000255.4(MMUT):c.210_213dup (p.Leu72fs)

Gene: MMUT (methylmalonyl-CoA mutase; minus strand). Cytogenetic location: 6p12.3.
Variant type: Duplication.
Coding change: c.210_213dup on transcript NM_000255.4 (MANE Select); coding-DNA positions 210 to 213, 4 bases duplicated (ACCC; older notation c.210_213dupACCC).
Protein change: p.Leu72fs; shifts the reading frame from leucine 72.
Molecular consequence: frameshift variant.
Genome position (GRCh38, 1-based): chr6:49,459,254-49,459,257, GGGT duplicated on the plus strand (ACCC on the coding strand, the reverse complement: MMUT is on the minus strand). VCF-style (leftmost placement, unchanged base first): chr6-49459253-A-AGGGT. GRCh37 (hg19) VCF-style: chr6-49426966-A-AGGGT.
Other names: short protein forms L72fs.
Identifiers: ClinVar variation 2762437 (VCV002762437.3), dbSNP rs2481350413, ClinGen allele CA2697553433.